The following is an entry in ClinVar:

NM_000182.5(HADHA):c.315-2A>T

Gene: HADHA (hydroxyacyl-CoA dehydrogenase trifunctional multienzyme complex subunit alpha; minus strand). Cytogenetic location: 2p23.3.
Variant type: single nucleotide variant.
Coding change: c.315-2A>T on transcript NM_000182.5 (MANE Select); the canonical splice acceptor site of the intron before coding-DNA position 315, A replaced by T.
Molecular consequence: splice acceptor variant.
Genome position (GRCh38, 1-based): chr2:26,234,357, T>A on the plus strand (A>T on the coding strand, the complement: HADHA is on the minus strand). VCF-style: chr2-26234357-T-A. GRCh37 (hg19) VCF-style: chr2-26457225-T-A.
Identifiers: ClinVar variation 2675966 (VCV002675966.4), dbSNP rs1297938234, ClinGen allele CA346093863.
Genomic context (GRCh38, chr2:26,234,357, plus strand): 5'-TCTGTGCTTCTTGTGATAGCTGTGTTACTTCTTGAAGGGTCTTGCAAGCGGCTAACATGC[T>A]GCATTATCCATAAAAGTAGAGAACAGAGAAAAAGATAAAACTATAATTTATTTGGTTCAA-3'

ClinVar aggregate classification (germline): Pathogenic. Review status: criteria provided, multiple submitters, no conflicts (2 of 4 stars). 2 submissions from 2 submitters: Pathogenic (2). Last evaluated 2023-09-26.

Conditions:
Long chain 3-hydroxyacyl-CoA dehydrogenase deficiency. Also called: LCHAD Deficiency; Deficiency of long-chain 3-hydroxyacyl-coenzyme A dehydrogenase. Identifiers: Orphanet 5, MedGen C3711645, MONDO:0012173, OMIM 609016.
Mitochondrial trifunctional protein deficiency. Identifiers: Orphanet 746, MedGen C1969443, MONDO:0012172.

Allele frequency attached by ClinVar (database versions not stated): gnomAD exomes below 0.00001; gnomAD 0.00001.
gnomAD v4.1: 3 of 1,611,682 alleles (0.00019%); highest among the groups gnomAD compares: African/African-American, 0.0027%; no homozygotes.

Submissions (2):

Labcorp Genetics (formerly Invitae), Labcorp
Classification: Pathogenic for Mitochondrial trifunctional protein deficiency; Long chain 3-hydroxyacyl-CoA dehydrogenase deficiency. Last evaluated: 2023-09-26. Review status: criteria provided, single submitter. Criteria: Invitae Variant Classification Sherloc (09022015). Collection method: clinical testing. Allele origin: germline.
Comment: This sequence change affects an acceptor splice site in intron 4 of the HADHA gene. It is expected to disrupt RNA splicing. Variants that disrupt the donor or acceptor splice site typically lead to a loss of protein function (PMID: 16199547), and loss-of-function variants in HADHA are known to be pathogenic (PMID: 7738175, 21103935, 21549624, 22459206). This variant is present in population databases (no rsID available, gnomAD 0.007%). Disruption of this splice site has been observed in individual(s) with long-chain 3-hydroxyacyl-CoA dehydrogenase deficiency (PMID: 10352164). In at least one individual the data is consistent with being in trans (on the opposite chromosome) from a pathogenic variant. This variant is also known as A-2T exon 5. Algorithms developed to predict the effect of sequence changes on RNA splicing suggest that this variant may disrupt the consensus splice site. For these reasons, this variant has been classified as Pathogenic.

Baylor Genetics
Classification: Pathogenic for Long chain 3-hydroxyacyl-CoA dehydrogenase deficiency. Last evaluated: 2023-07-19. Review status: criteria provided, single submitter. Criteria: ACMG Guidelines, 2015. Collection method: clinical testing. Allele origin: unknown.

Literature cited by the submitters: PubMed 16199547 (cited by Labcorp Genetics (formerly Invitae), Labcorp); PubMed 7738175 (cited by Labcorp Genetics (formerly Invitae), Labcorp); PubMed 21103935 (cited by Labcorp Genetics (formerly Invitae), Labcorp); PubMed 21549624 (cited by Labcorp Genetics (formerly Invitae), Labcorp); PubMed 22459206 (cited by Labcorp Genetics (formerly Invitae), Labcorp); PubMed 10352164 (cited by Labcorp Genetics (formerly Invitae), Labcorp).